The following is an entry in ClinVar:

ClinVar aggregate classification (germline): Pathogenic. Review status: criteria provided, multiple submitters, no conflicts (2 of 4 stars). 8 submissions from 8 submitters: Pathogenic (7). 1 of the submissions does not count toward it. Last evaluated 2026-09-08.

Conditions:
Fabry disease. Also called: Ceramide trihexosidosis; Fabry's disease; CERAMIDE TRIHEXOSIDASE DEFICIENCY; GLA DEFICIENCY; HEREDITARY DYSTOPIC LIPIDOSIS; ALPHA-GALACTOSIDASE A DEFICIENCY. Identifiers: Orphanet 324, MedGen C0002986, MONDO:0010526, OMIM 301500, HP:0001071. Disease mechanism: Fabry disease is due to inactivating mutations in the X-linked GLA gene resulting in deficiency of the enzyme Alpha Galactosidase-A., loss of function.

Submissions (8):

Genomenon, Inc
Classification: Pathogenic for Fabry disease. Last evaluated: 2026-09-08. Review status: criteria provided, single submitter. Criteria: Genomenon Sequence Variant Interpretation Standards - Updated. Collection method: curation. Allele origin: germline. Affected: yes.
Comment: GLA p.Trp340Ter (c.1020G>A) is a nonsense variant that introduces a premature stop codon at amino acid position 340 and is predicted to result in a truncated or absent protein product. This variant has been observed in at least one proband with clinical features consistent with Fabry disease (PMID:7504405). At least one functional study has demonstrated a substantial alteration in protein function relative to the wild-type (PMID:31613176). It is absent or not present at a significant frequency in gnomAD. In conclusion, we classify GLA p.Trp340Ter (c.1020G>A) as a pathogenic variant.

Variantyx, Inc.
Classification: Pathogenic for Fabry disease. Last evaluated: 2025-12-08. Review status: criteria provided, single submitter. Criteria: Variantyx Assertion Criteria 2022. Collection method: clinical testing. Allele origin: maternal. Inheritance: X-linked inheritance.
Comment: This is a nonsense variant in the GLA gene (OMIM: 300644). Pathogenic variants in this gene have been associated with X-linked Fabry disease. This variant introduces a premature termination codon in exon 7 out of 7 and is expected to result in loss of function, which is a known disease mechanism for GLA in this disorder (PVS1). This variant has been reported in at least 3 unrelated affected individuals (PMID: 29203563, 31243236, 7504405) (PS4_Moderate), and is absent from control populations (PM2). Based on the current evidence, this variant is classified as pathogenic for X-linked Fabry disease.

3billion
Classification: Pathogenic for Fabry disease. Last evaluated: 2025-11-19. Review status: criteria provided, single submitter. Criteria: ACMG Guidelines, 2015. Collection method: clinical testing. Allele origin: germline. Affected: yes.
Comment: The variant is not observed in the gnomAD v4.1.0 dataset. Predicted Consequence/Location: Stop-gained (nonsense): predicted to result in a loss or disruption of normal protein function through protein truncation. Multiple pathogenic variants are reported in the predicted truncated region. The variant has been reported at least twice as pathogenic with clinical assertions and evidence for the classification (ClinVar ID: VCV000010741 /PMID: 7504405). Therefore, this variant is classified as Pathogenic according to the recommendation of ACMG/AMP guideline.

Labcorp Genetics (formerly Invitae), Labcorp
Classification: Pathogenic for Fabry disease. Last evaluated: 2024-12-17. Review status: criteria provided, single submitter. Criteria: Invitae Variant Classification Sherloc (09022015). Collection method: clinical testing. Allele origin: germline.
Comment: This sequence change creates a premature translational stop signal (p.Trp340*) in the GLA gene. While this is not anticipated to result in nonsense mediated decay, it is expected to disrupt the last 90 amino acid(s) of the GLA protein. This variant is not present in population databases (gnomAD no frequency). This premature translational stop signal has been observed in individual(s) with Fabry disease (PMID: 23935525, 29203563, 31243236). It has also been observed to segregate with disease in related individuals. ClinVar contains an entry for this variant (Variation ID: 10741). Algorithms developed to predict the effect of sequence changes on RNA splicing suggest that this variant may disrupt the consensus splice site. For these reasons, this variant has been classified as Pathogenic.

Genome-Nilou Lab
Classification: Pathogenic for Fabry disease. Last evaluated: 2021-07-15. Review status: criteria provided, single submitter. Criteria: ACMG Guidelines, 2015. Collection method: clinical testing. Allele origin: germline. Affected: no.

Women's Health and Genetics/Laboratory Corporation of America, LabCorp
Classification: Pathogenic for Fabry disease. Last evaluated: 2019-06-19. Review status: criteria provided, single submitter. Criteria: LabCorp Variant Classification Summary - May 2015. Collection method: clinical testing. Allele origin: germline.
Comment: Variant summary: GLA c.1020G>A (p.Trp340X) results in a premature termination codon, predicted to cause a truncation of the encoded protein or absence of the protein due to nonsense mediated decay, which are commonly known mechanisms for disease. Truncations downstream of this position have been classified as pathogenic by our laboratory. The variant was absent in 182951 control chromosomes (gnomAD). c.1020G>A has been reported in the literature in individuals affected with Classic Fabry Disease (Eng_1993, Saito_2016, Schafer_2005, Yano_2017). These data indicate that the variant is likely to be associated with disease. A ClinVar submission from a clinical diagnostic laboratory (evaluation after 2014) cites the variant as pathogenic. Based on the evidence outlined above, the variant was classified as pathogenic.

Eurofins Ntd Llc (ga)
Classification: Pathogenic. Last evaluated: 2018-08-27. Review status: criteria provided, single submitter. Criteria: EGL ClinVar v180209 classification definitions. Collection method: clinical testing. Allele origin: germline. Observed: 1 variant allele, 1 heterozygote.

OMIM
Classification: Pathogenic for FABRY DISEASE. Last evaluated: 1993-12-01. Review status: no assertion criteria provided. Collection method: literature only. Allele origin: germline. Not counted in ClinVar's aggregate classification.

Literature cited by the submitters: PubMed 7504405 (cited by 5 submitters); PubMed 31613176 (cited by Genomenon, Inc); PubMed 29203563 (cited by 3 submitters); PubMed 31243236 (cited by Variantyx, Inc. and Labcorp Genetics (formerly Invitae), Labcorp); PubMed 23935525 (cited by Labcorp Genetics (formerly Invitae), Labcorp); PubMed 15776423 (cited by Women's Health and Genetics/Laboratory Corporation of America, LabCorp).

NM_000169.3(GLA):c.1020G>A (p.Trp340Ter)

Genes: GLA (galactosidase alpha; minus strand), RPL36A-HNRNPH2 (RPL36A-HNRNPH2 readthrough; plus strand). Cytogenetic location: Xq22.1.
Variant type: single nucleotide variant.
Coding change: c.1020G>A on transcript NM_000169.3 (MANE Select); coding-DNA position 1020, G replaced by A.
Protein change: p.Trp340Ter; replaces tryptophan 340 with a stop codon.
Molecular consequence: nonsense. On other transcripts: non-coding transcript variant (3), intron variant (2).
Genome position (GRCh38, 1-based): chrX:101,398,079, C>T on the plus strand (G>A on the coding strand, the complement: GLA is on the minus strand). VCF-style: chrX-101398079-C-T. GRCh37 (hg19) VCF-style: chrX-100653067-C-T.
Other names: c.1143G>A, p.Trp381Ter (NM_001406747.1); c.300+2622C>T (NM_001199973.2); c.177+6257C>T (NM_001199974.2); short protein forms W340*, W381*.
Identifiers: ClinVar variation 10741 (VCV000010741.20), dbSNP rs104894842, ClinGen allele CA021307.